The following is an entry in ClinVar:

NM_001330360.2(POLA1):c.526-2dup

Gene: POLA1 (DNA polymerase alpha 1, catalytic subunit; plus strand). Cytogenetic location: Xp22.11.
Variant type: Duplication.
Coding change: c.526-2dup on transcript NM_001330360.2 (MANE Select); the canonical splice acceptor site of the intron before coding-DNA position 526, one base duplicated (A; older notation c.526-2dupA).
Molecular consequence: splice acceptor variant.
Genome position (GRCh38, 1-based): chrX:24,716,360, A duplicated. VCF-style (leftmost placement, unchanged base first): chrX-24716359-T-TA. GRCh37 (hg19) VCF-style: chrX-24734476-T-TA.
Other names: c.526-2dup (NM_001378303.1); c.508-2dup (NM_016937.4).
Identifiers: ClinVar variation 2581878 (VCV002581878.1), dbSNP rs753714498, ClinGen allele CA10372803.

ClinVar aggregate classification (germline): Uncertain significance (1 of 4 stars; one submission).

Allele frequency attached by ClinVar (database versions not stated): gnomAD exomes below 0.00001; TOPMed below 0.00001; ExAC 0.00001; gnomAD 0.00001; ESP Exome Variant Server 0.00010.

Submission:

GeneDx
Classification: Uncertain significance. Last evaluated: 2023-04-02. Review status: criteria provided, single submitter. Criteria: GeneDx Variant Classification Process June 2021. Collection method: clinical testing. Allele origin: germline. Affected: yes.
Comment: Not observed at significant frequency in large population cohorts (gnomAD); Has not been previously published as pathogenic or benign to our knowledge; In silico analysis is inconclusive as to whether the variant alters gene splicing. In the absence of RNA/functional studies, the actual effect of this sequence change is unknown.